The following is an entry in ClinVar:

ClinVar aggregate classification (germline): Uncertain significance (1 of 4 stars; one submission).

Submission:

Labcorp Genetics (formerly Invitae), Labcorp
Classification: Uncertain significance. Last evaluated: 2023-11-27. Review status: criteria provided, single submitter. Criteria: Invitae Variant Classification Sherloc (09022015). Collection method: clinical testing. Allele origin: germline.
Comment: This sequence change replaces methionine, which is neutral and non-polar, with leucine, which is neutral and non-polar, at codon 382 of the SLC12A2 protein (p.Met382Leu). This variant is not present in population databases (gnomAD no frequency). This variant has not been reported in the literature in individuals affected with SLC12A2-related conditions. ClinVar contains an entry for this variant (Variation ID: 2097565). Advanced modeling of protein sequence and biophysical properties (such as structural, functional, and spatial information, amino acid conservation, physicochemical variation, residue mobility, and thermodynamic stability) performed at Invitae indicates that this missense variant is not expected to disrupt SLC12A2 protein function with a negative predictive value of 80%. In summary, the available evidence is currently insufficient to determine the role of this variant in disease. Therefore, it has been classified as a Variant of Uncertain Significance.

NM_001046.3(SLC12A2):c.1144A>C (p.Met382Leu)

Gene: SLC12A2 (solute carrier family 12 member 2; plus strand). Cytogenetic location: 5q23.3.
Variant type: single nucleotide variant.
Coding change: c.1144A>C on transcript NM_001046.3 (MANE Select); coding-DNA position 1144, A replaced by C.
Protein change: p.Met382Leu; replaces methionine 382 with leucine.
Molecular consequence: missense variant. On other transcripts: non-coding transcript variant (1).
Genome position (GRCh38, 1-based): chr5:128,131,162, A>C. VCF-style: chr5-128131162-A-C. GRCh37 (hg19) VCF-style: chr5-127466854-A-C.
Other names: c.1144A>C, p.Met382Leu (NM_001256461.2); short protein forms M382L.
Identifiers: ClinVar variation 2097565 (VCV002097565.4), dbSNP rs2479347485, ClinGen allele CA360741221.